The following is an entry in ClinVar:

NM_015001.3(SPEN):c.10873G>T (p.Val3625Leu)

Gene: SPEN (spen family transcriptional repressor; plus strand). Cytogenetic location: 1p36.13.
Variant type: single nucleotide variant.
Coding change: c.10873G>T on transcript NM_015001.3 (MANE Select); coding-DNA position 10873, G replaced by T.
Protein change: p.Val3625Leu; replaces valine 3625 with leucine.
Molecular consequence: missense variant.
Genome position (GRCh38, 1-based): chr1:15,939,305, G>T. VCF-style: chr1-15939305-G-T. GRCh37 (hg19) VCF-style: chr1-16265800-G-T.
Other names: short protein forms V3625L.
Identifiers: ClinVar variation 2499174 (VCV002499174.1), dbSNP rs2523107058, ClinGen allele CA338667779.
Genomic context (GRCh38, chr1:15,939,305, plus strand): 5'-TTGTGGGGGTGAAGACAGACGGTCCCACTTTGCTCTCTATCCTGTCTCCAGCCTGCCTAC[G>T]TGCTGCAGATCTTCCCGCCCTGTGAGTTCTCTGAGAGTCACCTGTCCCGCCTGGCCCCTG-3'
Protein context (NP_055816.2, residues 3615-3635): PNPGSNQPAY[Val3625Leu]LQIFPPCEFS

ClinVar aggregate classification (germline): Uncertain significance (1 of 4 stars; one submission).

Submission:

GeneDx
Classification: Uncertain significance. Last evaluated: 2022-10-12. Review status: criteria provided, single submitter. Criteria: GeneDx Variant Classification Process June 2021. Collection method: clinical testing. Allele origin: germline. Affected: yes.
Comment: Not observed at significant frequency in large population cohorts (gnomAD); In silico analysis supports that this missense variant does not alter protein structure/function; Has not been previously published as pathogenic or benign to our knowledge